The following is an entry in ClinVar:

ClinVar aggregate classification (germline): Uncertain significance (1 of 4 stars; one submission).

Allele frequency attached by ClinVar (database versions not stated): TOPMed below 0.00001.

Submission:

GeneDx
Classification: Uncertain significance. Last evaluated: 2022-04-11. Review status: criteria provided, single submitter. Criteria: GeneDx Variant Classification Process June 2021. Collection method: clinical testing. Allele origin: germline. Affected: yes.
Comment: Not observed at significant frequency in large population cohorts (gnomAD); In silico analysis supports that this missense variant does not alter protein structure/function; Has not been previously published as pathogenic or benign to our knowledge

NM_005585.5(SMAD6):c.679G>C (p.Gly227Arg)

Gene: SMAD6 (SMAD family member 6; plus strand). Cytogenetic location: 15q22.31.
Variant type: single nucleotide variant.
Coding change: c.679G>C on transcript NM_005585.5 (MANE Select); coding-DNA position 679, G replaced by C.
Protein change: p.Gly227Arg; replaces glycine 227 with arginine.
Molecular consequence: missense variant. On other transcripts: non-coding transcript variant (1).
Genome position (GRCh38, 1-based): chr15:66,703,937, G>C. VCF-style: chr15-66703937-G-C. GRCh37 (hg19) VCF-style: chr15-66996275-G-C.
Other names: short protein forms G227R.
Identifiers: ClinVar variation 1343058 (VCV001343058.3), dbSNP rs765887264, ClinGen allele CA7626507.